The following is an entry in ClinVar:

ClinVar aggregate classification (germline): Uncertain significance (1 of 4 stars; one submission).

Submission:

Labcorp Genetics (formerly Invitae), Labcorp
Classification: Uncertain significance. Last evaluated: 2025-10-05. Review status: criteria provided, single submitter. Criteria: Invitae Variant Classification Sherloc (09022015). Collection method: clinical testing. Allele origin: germline.
Comment: This variant, c.1410_1412del, results in the deletion of 1 amino acid(s) of the KDM1A protein (p.Asn470del), but otherwise preserves the integrity of the reading frame. This variant is not present in population databases (gnomAD no frequency). This variant has not been reported in the literature in individuals affected with KDM1A-related conditions. Experimental studies and prediction algorithms are not available or were not evaluated, and the functional significance of this variant is currently unknown. In summary, the available evidence is currently insufficient to determine the role of this variant in disease. Therefore, it has been classified as a Variant of Uncertain Significance.

NM_001009999.3(KDM1A):c.1407TAA[1] (p.Asn470del)

Gene: KDM1A (lysine demethylase 1A; plus strand). Cytogenetic location: 1p36.12.
Variant type: Microsatellite.
Coding change: c.1407TAA[1] on transcript NM_001009999.3 (MANE Select); one copy of the 3-base unit TAA starting at c.1407; the reference has two copies in a row; one copy, 3 bases deleted.
Protein change: p.Asn470del; deletes asparagine 470.
Molecular consequence: inframe deletion.
Genome position (GRCh38, 1-based): chr1:23,069,148-23,069,150, TAA deleted; deleting any 3 consecutive bases within chr1:23,069,145-23,069,150 gives the same sequence; the position shown is the placement nearest the transcript's 3' end. VCF-style (leftmost placement, unchanged base first): chr1-23069144-TTAA-T. GRCh37 (hg19) VCF-style: chr1-23395637-TTAA-T.
Other names: c.1335TAA[1], p.Asn446del (NM_001363654.2, NM_001410763.1, NM_015013.4); c.1395TAA[1], p.Asn466del (NM_001410762.1); short protein forms N446del, N470del, N466del.
Identifiers: ClinVar variation 4728153 (VCV004728153.1).